The following is an entry in ClinVar:

NM_005633.4(SOS1):c.124G>A (p.Asp42Asn)

Gene: SOS1 (SOS Ras/Rac guanine nucleotide exchange factor 1; minus strand). Cytogenetic location: 2p22.1.
Variant type: single nucleotide variant.
Coding change: c.124G>A on transcript NM_005633.4 (MANE Select); coding-DNA position 124, G replaced by A.
Protein change: p.Asp42Asn; replaces aspartic acid 42 with asparagine.
Molecular consequence: missense variant.
Genome position (GRCh38, 1-based): chr2:39,067,717, C>T on the plus strand (G>A on the coding strand, the complement: SOS1 is on the minus strand). VCF-style: chr2-39067717-C-T. GRCh37 (hg19) VCF-style: chr2-39294858-C-T.
Other names: c.103G>A, p.Asp35Asn (NM_001382394.1); c.124G>A, p.Asp42Asn (NM_001382395.1); short protein forms D42N, D35N.
Identifiers: ClinVar variation 656245 (VCV000656245.8), dbSNP rs1402273679, ClinGen allele CA346374293.
Genomic context (GRCh38, chr2:39,067,717, plus strand): 5'-CTTGGCATAGCATATTTAATAATTGCAAAATTAATTCTTCAACATACTGAAGAGCATCAT[C>T]ATTAGACTCGAGAGTAGGATGAACTTGCCCCTGGACCTATAAACAAAAAGCAAAGTAATT-3'
Protein context (NP_005624.2, residues 32-52): GQVHPTLESN[Asp42Asn]DALQYVEELI

ClinVar aggregate classification (germline): Uncertain significance (1 of 4 stars; one submission).

Conditions:
RASopathy. Also called: rasopathies; Noonan spectrum disorder. Identifiers: Orphanet 536391, MedGen C5555857, MONDO:0021060.

Allele frequency attached by ClinVar (database versions not stated): gnomAD exomes below 0.00001.
gnomAD v4.1: 1 of 1,612,148 alleles (0.000062%); highest among the groups gnomAD compares: East Asian, 0.0022%; no homozygotes.

Submission:

Labcorp Genetics (formerly Invitae), Labcorp
Classification: Uncertain significance for RASopathy. Last evaluated: 2018-10-09. Review status: criteria provided, single submitter. Criteria: Invitae Variant Classification Sherloc (09022015). Collection method: clinical testing. Allele origin: germline.
Comment: This variant has not been reported in the literature in individuals with SOS1-related disease. This variant is not present in population databases (ExAC no frequency). This sequence change replaces aspartic acid with asparagine at codon 42 of the SOS1 protein (p.Asp42Asn). The aspartic acid residue is weakly conserved and there is a small physicochemical difference between aspartic acid and asparagine. Algorithms developed to predict the effect of missense changes on protein structure and function (SIFT, PolyPhen-2, Align-GVGD) all suggest that this variant is likely to be tolerated, but these predictions have not been confirmed by published functional studies and their clinical significance is uncertain. In summary, the available evidence is currently insufficient to determine the role of this variant in disease. Therefore, it has been classified as a Variant of Uncertain Significance.